The following is an entry in ClinVar:

ClinVar aggregate classification (germline): Uncertain significance (1 of 4 stars; one submission).

Conditions:
Gamma-aminobutyric acid transaminase deficiency (GABATD). Also called: GABA transaminase deficiency; Gamma aminobutyrate transaminase deficiency; 4 alpha aminobutyrate transaminase deficiency; GABA aminotransaminase deficiency. Identifiers: Orphanet 2066, MedGen C0342708, MONDO:0013166, OMIM 613163.

Submission:

Labcorp Genetics (formerly Invitae), Labcorp
Classification: Uncertain significance for Gamma-aminobutyric acid transaminase deficiency. Last evaluated: 2022-02-03. Review status: criteria provided, single submitter. Criteria: Invitae Variant Classification Sherloc (09022015). Collection method: clinical testing. Allele origin: germline.
Comment: In summary, the available evidence is currently insufficient to determine the role of this variant in disease. Therefore, it has been classified as a Variant of Uncertain Significance. Algorithms developed to predict the effect of missense changes on protein structure and function are either unavailable or do not agree on the potential impact of this missense change (SIFT: "Deleterious"; PolyPhen-2: "Benign"; Align-GVGD: "Class C0"). This variant has not been reported in the literature in individuals affected with ABAT-related conditions. This variant is not present in population databases (gnomAD no frequency). This sequence change replaces leucine, which is neutral and non-polar, with valine, which is neutral and non-polar, at codon 390 of the ABAT protein (p.Leu390Val).

NM_020686.6(ABAT):c.1168C>G (p.Leu390Val)

Gene: ABAT (4-aminobutyrate aminotransferase; plus strand). Cytogenetic location: 16p13.2.
Variant type: single nucleotide variant.
Coding change: c.1168C>G on transcript NM_020686.6 (MANE Select); coding-DNA position 1168, C replaced by G.
Protein change: p.Leu390Val; replaces leucine 390 with valine.
Molecular consequence: missense variant.
Genome position (GRCh38, 1-based): chr16:8,776,389, C>G. VCF-style: chr16-8776389-C-G. GRCh37 (hg19) VCF-style: chr16-8870246-C-G.
Other names: c.1168C>G, p.Leu390Val (NM_000663.5, NM_001127448.2, NM_001386600.1 and 6 more transcripts); c.1129C>G, p.Leu377Val (NM_001386605.1); c.1105C>G, p.Leu369Val (NM_001386606.1, NM_001386607.1); c.1075C>G, p.Leu359Val (NM_001386608.1); c.1033C>G, p.Leu345Val (NM_001386610.1, NM_001386611.1); c.970C>G, p.Leu324Val (NM_001386612.1, NM_001386613.1); c.922C>G, p.Leu308Val (NM_001386614.1); c.1264C>G, p.Leu422Val (NM_001386615.1); short protein forms L345V, L359V, L377V, L324V, L390V, L308V, L422V, L369V.
Identifiers: ClinVar variation 1443469 (VCV001443469.8), dbSNP rs537999087, ClinGen allele CA394690231.